The following is an entry in ClinVar:

ClinVar aggregate classification (germline): Uncertain significance (1 of 4 stars; one submission).

Conditions:
Breast-ovarian cancer, familial, susceptibility to, 1 (BROVCA1). Also called: BRCA1 Hereditary Breast and Ovarian Cancer; OVARIAN CANCER, SUSCEPTIBILITY TO. Identifiers: Orphanet 145, MedGen C2676676, MONDO:0011450, OMIM 604370. Disease mechanism: loss of function.

Submission:

Neuberg Centre For Genomic Medicine, NCGM
Classification: Uncertain significance for Breast-ovarian cancer, familial, susceptibility to, 1. Review status: criteria provided, single submitter. Criteria: ACMG Guidelines, 2015. Collection method: clinical testing. Allele origin: germline. Inheritance: Autosomal dominant inheritance. Affected: yes.
Comment: The missense variant p.T248I in BRCA1 (NM_007300.4) has not been reported previously as a pathogenic variant nor as a benign variant, to our knowledge. The p.T248I variant is novel (not in any individuals) in gnomAD Exomes and is novel (not in any individuals) in 1000 Genomes. There is a moderate physicochemical difference between threonine and isoleucine. In silico tools predict the variant to be tolerated. The residue is conserved across species. The amino acid change p.Thr248Ile in BRCA1 is predicted as conserved by GERP++ and PhyloP across 100 vertebrates. For these reasons, this variant has been classified as Uncertain Significance.

NM_007294.4(BRCA1):c.743C>T (p.Thr248Ile)

Gene: BRCA1 (BRCA1 DNA repair associated; minus strand). Cytogenetic location: 17q21.31.
Variant type: single nucleotide variant.
Coding change: c.743C>T on transcript NM_007294.4 (MANE Select); coding-DNA position 743, C replaced by T.
Protein change: p.Thr248Ile; replaces threonine 248 with isoleucine.
Molecular consequence: missense variant. On other transcripts: intron variant (13), 5 prime UTR variant (2).
Genome position (GRCh38, 1-based): chr17:43,094,788, G>A on the plus strand (C>T on the coding strand, the complement: BRCA1 is on the minus strand). VCF-style: chr17-43094788-G-A. GRCh37 (hg19) VCF-style: chr17-41246805-G-A.
Other names: c.479C>T, p.Thr160Ile (NM_001408500.1, NM_001408501.1, NM_001408496.1 and 15 more transcripts); c.410C>T, p.Thr137Ile (NM_001408502.1, NM_001407946.1, NM_001407957.1 and 7 more transcripts); c.476C>T, p.Thr159Ile (NM_001408503.1, NM_001408504.1, NM_001408505.1 and 5 more transcripts); c.407C>T, p.Thr136Ile (NM_001408508.1, NM_001408509.1, NM_001407958.1 and 3 more transcripts); c.362C>T, p.Thr121Ile (NM_001408510.1, NM_001407959.1, NM_001407960.1 and 1 more transcripts); c.239C>T, p.Thr80Ile (NM_001408512.1, NM_001407965.1); c.533C>T, p.Thr178Ile (NM_001408513.1, NM_001407889.1, NM_001407900.1 and 25 more transcripts); c.743C>T, p.Thr248Ile (NM_001407622.1, NM_001407623.1, NM_001407624.1 and 54 more transcripts); and 20 more; short protein forms T180I, T200I, T221I, T247I, T248I, T121I, T159I, T181I.
Identifiers: ClinVar variation 2585354 (VCV002585354.1), dbSNP rs80357062, ClinGen allele CA10600596.
Genomic context (GRCh38, chr17:43,094,788, plus strand): 5'-TTTGAAACAGAACTACCCTGATACTTTTCTGGATGCCTCTCAGCTGCACGCTTCTCAGTG[G>A]TGTTCAAATCATTATTACTGGGTTGATGATGTTCAGTATTTGTTACATCCGTCTCAGAAA-3'
Protein context (NP_009225.1, residues 238-258): HHQPSNNDLN[Thr248Ile]TEKRAAERHP